The following is an entry in ClinVar:

NM_000548.5(TSC2):c.5214C>G (p.Ser1738=)

Gene: TSC2 (TSC complex subunit 2; plus strand). Cytogenetic location: 16p13.3.
Variant type: single nucleotide variant.
Coding change: c.5214C>G on transcript NM_000548.5 (MANE Select); coding-DNA position 5214, C replaced by G.
Protein change: p.Ser1738=; no amino-acid change (serine 1738 retained).
Molecular consequence: synonymous variant.
Genome position (GRCh38, 1-based): chr16:2,088,280, C>G. VCF-style: chr16-2088280-C-G. GRCh37 (hg19) VCF-style: chr16-2138281-C-G.
Other names: c.5013C>G, p.Ser1671= (NM_001077183.3); c.5145C>G, p.Ser1715= (NM_001114382.3); c.4905C>G, p.Ser1635= (NM_001318827.2); c.4869C>G, p.Ser1623= (NM_001318829.2); c.4482C>G, p.Ser1494= (NM_001318831.2); c.5046C>G, p.Ser1682= (NM_001318832.2); c.5016C>G, p.Ser1672= (NM_001363528.2); c.5082C>G, p.Ser1694= (NM_001370404.1); and 2 more.
Identifiers: ClinVar variation 793723 (VCV000793723.10), dbSNP rs761621735, ClinGen allele CA493043794.
Genomic context (GRCh38, chr16:2,088,280, plus strand): 5'-TCCCCAGATGGCCTCACAGGTGCATCATAGCCGCTCCAACCCCACCGATATCTACCCCTC[C>G]AAGTGGATTGCCCGGCTCCGCCACATCAAGCGGCTCCGCCAGCGGGTAGGGAATATGGGG-3'
Protein context (NP_000539.2, residues 1728-1748): SRSNPTDIYP[Ser1738=]KWIARLRHIK

ClinVar aggregate classification (germline): Benign/Likely benign. Review status: criteria provided, multiple submitters, no conflicts (2 of 4 stars). 3 submissions from 3 submitters: Benign (1); Likely benign (2). Last evaluated 2025-06-06.

Conditions:
Tuberous sclerosis 2 (TSC2). Identifiers: Orphanet 805, MedGen C1860707, MONDO:0013199, OMIM 613254.
Hereditary cancer-predisposing syndrome. Also called: Neoplastic Syndromes, Hereditary; Hereditary neoplastic syndrome; Tumor predisposition; Hereditary Cancer Syndrome. Identifiers: Orphanet 140162, MedGen C0027672, MeSH D009386, MONDO:0015356.

gnomAD v4.1: 2 of 1,613,036 alleles (0.00012%); highest among the groups gnomAD compares: African/African-American, 0.0027%; no homozygotes.

Submissions (3):

Myriad Genetics, Inc.
Classification: Benign for Tuberous sclerosis 2. Last evaluated: 2025-06-06. Review status: criteria provided, single submitter. Criteria: Myriad Autosomal Dominant, Autosomal Recessive and X-Linked Classification Criteria (2023). Collection method: clinical testing. Allele origin: unknown.
Comment: This variant is considered benign. This variant is a silent/synonymous amino acid change and it is not expected to impact splicing.

Ambry Genetics
Classification: Likely benign for Hereditary cancer-predisposing syndrome. Last evaluated: 2024-07-28. Review status: criteria provided, single submitter. Criteria: Ambry Variant Classification Scheme 2023. Collection method: clinical testing. Allele origin: germline.

Labcorp Genetics (formerly Invitae), Labcorp
Classification: Likely benign for Tuberous sclerosis 2. Last evaluated: 2024-02-26. Review status: criteria provided, single submitter. Criteria: Invitae Variant Classification Sherloc (09022015). Collection method: clinical testing. Allele origin: germline.